The following is an entry in ClinVar:

ClinVar aggregate classification (germline): Likely benign. Review status: criteria provided, multiple submitters, no conflicts (2 of 4 stars). 5 submissions from 5 submitters: Likely benign (5). Last evaluated 2026-08-01.

Allele frequency attached by ClinVar (database versions not stated): ESP Exome Variant Server 0.00017.
gnomAD v4.1: 257 of 1,550,018 alleles (0.017%); highest among the groups gnomAD compares: Non-Finnish European, 0.017%; 1 homozygote.

Submissions (5):

CeGaT Center for Human Genetics Tuebingen
Classification: Likely benign. Last evaluated: 2026-08-01. Review status: criteria provided, single submitter. Criteria: CeGaT Center For Human Genetics Tuebingen Variant Classification Criteria Version 2. Collection method: clinical testing. Allele origin: germline. Affected: yes. Observed: 5 variant alleles.
Comment: SBF1: BP4, BP7

Labcorp Genetics (formerly Invitae), Labcorp
Classification: Likely benign. Last evaluated: 2025-12-10. Review status: criteria provided, single submitter. Criteria: Invitae Variant Classification Sherloc (09022015). Collection method: clinical testing. Allele origin: germline.

Mayo Clinic Laboratories, Mayo Clinic
Classification: Likely benign. Last evaluated: 2025-10-07. Review status: criteria provided, single submitter. Criteria: ACMG Guidelines, 2015. Collection method: clinical testing. Allele origin: germline. Observed: 1 variant allele.
Comment: BS1, BP4, BP7

Blueprint Genetics
Classification: Likely benign. Last evaluated: 2024-10-23. Review status: criteria provided, single submitter. Criteria: ACMG Guidelines, 2015. Collection method: clinical testing. Allele origin: germline.

GeneDx
Classification: Likely benign. Last evaluated: 2018-08-07. Review status: criteria provided, single submitter. Criteria: GeneDx Variant Classification Process June 2021. Collection method: clinical testing. Allele origin: germline. Affected: yes.

NM_002972.4(SBF1):c.597A>G (p.Pro199=)

Gene: SBF1 (SET binding factor 1; minus strand). Cytogenetic location: 22q13.33.
Variant type: single nucleotide variant.
Coding change: c.597A>G on transcript NM_002972.4 (MANE Select); coding-DNA position 597, A replaced by G.
Protein change: p.Pro199=; no amino-acid change (proline 199 retained).
Molecular consequence: synonymous variant.
Genome position (GRCh38, 1-based): chr22:50,466,663, T>C on the plus strand (A>G on the coding strand, the complement: SBF1 is on the minus strand). VCF-style: chr22-50466663-T-C. GRCh37 (hg19) VCF-style: chr22-50905092-T-C.
Other names: p.Pro199=; c.600A>G, p.Pro200= (NM_001365819.1).
Identifiers: ClinVar variation 1179335 (VCV001179335.36), dbSNP rs373887418, ClinGen allele CA10318023.